The following is an entry in ClinVar:

NM_020361.5(CPA6):c.707C>T (p.Pro236Leu)

Genes: ARFGEF1-DT (ARFGEF1 divergent transcript; plus strand), CPA6 (carboxypeptidase A6; minus strand). Cytogenetic location: 8q13.2.
Variant type: single nucleotide variant.
Coding change: c.707C>T on transcript NM_020361.5 (MANE Select); coding-DNA position 707, C replaced by T.
Protein change: p.Pro236Leu; replaces proline 236 with leucine.
Molecular consequence: missense variant.
Genome position (GRCh38, 1-based): chr8:67,484,719, G>A on the plus strand (C>T on the coding strand, the complement: CPA6 is on the minus strand). VCF-style: chr8-67484719-G-A. GRCh37 (hg19) VCF-style: chr8-68396954-G-A.
Other names: short protein forms P236L.
Identifiers: ClinVar variation 423645 (VCV000423645.9), dbSNP rs201552815, ClinGen allele CA4772890.

ClinVar aggregate classification (germline): Uncertain significance. Review status: criteria provided, multiple submitters, no conflicts (2 of 4 stars). 2 submissions from 2 submitters: Uncertain significance (2). Last evaluated 2020-02-17.

Conditions:
Febrile seizures, familial, 11 (FEB11). Also called: CONVULSIONS, FAMILIAL FEBRILE, 11. Identifiers: MedGen C3280734, MONDO:0024566, OMIM 614418.

Allele frequency attached by ClinVar (database versions not stated): ESP Exome Variant Server 0.00008; ExAC 0.00005; gnomAD 0.00005 and 0.00006; TOPMed 0.00002; gnomAD exomes 0.00005 and 0.00006.
gnomAD v4.1: 94 of 1,609,750 alleles (0.0058%); highest among the groups gnomAD compares: Non-Finnish European, 0.0076%; no homozygotes.

Submissions (2):

Labcorp Genetics (formerly Invitae), Labcorp
Classification: Uncertain significance for Febrile seizures, familial, 11. Last evaluated: 2020-02-17. Review status: criteria provided, single submitter. Criteria: Invitae Variant Classification Sherloc (09022015). Collection method: clinical testing. Allele origin: germline.
Comment: This sequence change replaces proline with leucine at codon 236 of the CPA6 protein (p.Pro236Leu). The proline residue is highly conserved and there is a moderate physicochemical difference between proline and leucine. This variant is present in population databases (rs201552815, ExAC 0.009%). This variant has not been reported in the literature in individuals with CPA6-related disease. ClinVar contains an entry for this variant (Variation ID: 423645). Algorithms developed to predict the effect of missense changes on protein structure and function do not agree on the potential impact of this missense change (SIFT: "Deleterious"; PolyPhen-2: "Probably Damaging"; Align-GVGD: "Class C0"). In summary, the available evidence is currently insufficient to determine the role of this variant in disease. Therefore, it has been classified as a Variant of Uncertain Significance.

GeneDx
Classification: Uncertain significance. Last evaluated: 2017-02-27. Review status: criteria provided, single submitter. Criteria: GeneDx Variant Classification (06012015). Collection method: clinical testing. Allele origin: germline. Affected: yes.
Comment: The P236L variant in the CPA6 gene has not been reported previously as a pathogenic variant, nor as a benign variant, to our knowledge. The P236L variant is not observed at a significant frequency in large population cohorts (Lek et al., 2016; 1000 Genomes Consortium et al., 2015; Exome Variant Server). The P236L variant is a semi-conservative amino acid substitution, which may impact secondary protein structure as these residues differ in some properties. This substitution occurs at a position that is conserved across species. In silico analysis predicts this variant is probably damaging to the protein structure/function. We interpret P236L as a variant of uncertain significance.